The following is an entry in ClinVar:

ClinVar aggregate classification (germline): Uncertain significance (1 of 4 stars; one submission).

Conditions:
Inborn genetic diseases. Identifiers: MedGen C0950123, MeSH D030342.

Submission:

Ambry Genetics
Classification: Uncertain significance for Inborn genetic diseases. Last evaluated: 2025-12-09. Review status: criteria provided, single submitter. Criteria: Ambry Variant Classification Scheme 2023. Collection method: clinical testing. Allele origin: germline.
Comment: The p.S134P variant (also known as c.400T>C), located in coding exon 1 of the SH2B3 gene, results from a T to C substitution at nucleotide position 400. The serine at codon 134 is replaced by proline, an amino acid with similar properties. This amino acid position is conserved. In addition, this alteration is predicted to be tolerated by in silico analysis. Based on the available evidence, the clinical significance of this variant remains unclear.

NM_005475.3(SH2B3):c.400T>C (p.Ser134Pro)

Gene: SH2B3 (SH2B adaptor protein 3; plus strand). Cytogenetic location: 12q24.12.
Variant type: single nucleotide variant.
Coding change: c.400T>C on transcript NM_005475.3 (MANE Select); coding-DNA position 400, T replaced by C.
Protein change: p.Ser134Pro; replaces serine 134 with proline.
Molecular consequence: missense variant.
Genome position (GRCh38, 1-based): chr12:111,418,545, T>C. VCF-style: chr12-111418545-T-C. GRCh37 (hg19) VCF-style: chr12-111856349-T-C.
Other names: short protein forms S134P.
Identifiers: ClinVar variation 4630782 (VCV004630782.1).